The following is an entry in ClinVar:

ClinVar aggregate classification (germline): Pathogenic (1 of 4 stars; one submission).

Conditions:
Mucopolysaccharidosis, MPS-II (MPS2). Also called: Hunter Syndrome; IDURONATE 2-SULFATASE DEFICIENCY; Mucopolysaccharidosis Type II; Mucopolysaccharidosis type 2; Attenuated MPS (subtype; formerly known as mild MPS II); Severe MPS II. Identifiers: Orphanet 580, Orphanet 79388, MedGen C0026705, MONDO:0010674, OMIM 309900.

Submission:

Laboratory of Diagnosis and Therapy of Lysosomal Disorders, University of Padova
Classification: Pathogenic for Mucopolysaccharidosis, MPS-II. Last evaluated: 2024-06-07. Review status: criteria provided, single submitter. Criteria: ACMG Guidelines, 2015. Collection method: literature only. Allele origin: germline. Affected: yes. Observed: 1 variant allele.
Comment: Null variant (PVS1_Strong), Absent from controls (or at low frequency) in gnomAD database (PM2_Moderate), Patient’s phenotype or family history highly specific for the disease (PP4_Strong)

Classification method: ACMG Guidelines [PMID:25741868] with modifications

Literature cited by the submitters: PubMed 36713083.

NM_000202.8(IDS):c.1489dup (p.Tyr497fs)

Gene: IDS (iduronate 2-sulfatase; minus strand). Cytogenetic location: Xq28.
Variant type: Duplication.
Coding change: c.1489dup on transcript NM_000202.8 (MANE Select); coding-DNA position 1489, one base duplicated (T; older notation c.1489dupT).
Protein change: p.Tyr497fs; shifts the reading frame from tyrosine 497.
Molecular consequence: frameshift variant.
Genome position (GRCh38, 1-based): chrX:149,482,910, A duplicated on the plus strand (T on the coding strand, the reverse complement: IDS is on the minus strand). VCF-style (leftmost placement, unchanged base first): chrX-149482909-T-TA. GRCh37 (hg19) VCF-style: chrX-148564440-T-TA.
Other names: c.1219dup, p.Tyr407fs (NM_001166550.4); short protein forms Y407fs, Y497fs.
Identifiers: ClinVar variation 3256076 (VCV003256076.2).